The following is an entry in ClinVar:

NM_000548.5(TSC2):c.4794C>A (p.Asp1598Glu)

Gene: TSC2 (TSC complex subunit 2; plus strand). Cytogenetic location: 16p13.3.
Variant type: single nucleotide variant.
Coding change: c.4794C>A on transcript NM_000548.5 (MANE Select); coding-DNA position 4794, C replaced by A.
Protein change: p.Asp1598Glu; replaces aspartic acid 1598 with glutamic acid.
Molecular consequence: missense variant.
Genome position (GRCh38, 1-based): chr16:2,086,324, C>A. VCF-style: chr16-2086324-C-A. GRCh37 (hg19) VCF-style: chr16-2136325-C-A.
Other names: c.4482C>A, p.Asp1494Glu (NM_001406678.1); c.4446C>A, p.Asp1482Glu (NM_001406679.1); c.4194C>A, p.Asp1398Glu (NM_001406680.1); c.4134C>A, p.Asp1378Glu (NM_001406681.1); c.4125C>A, p.Asp1375Glu (NM_001406682.1, NM_001406683.1); c.4593C>A, p.Asp1531Glu (NM_001077183.3); c.4725C>A, p.Asp1575Glu (NM_001114382.3); c.4485C>A, p.Asp1495Glu (NM_001318827.2); and 26 more; short protein forms D1083E, D1084E, D1332E, D1378E, D1512E, D1526E, D1528E, D1532E.
Identifiers: ClinVar variation 1743121 (VCV001743121.6), dbSNP rs548102930, ClinGen allele CA394308005.

ClinVar aggregate classification (germline): Uncertain significance. Review status: criteria provided, multiple submitters, no conflicts (2 of 4 stars). 2 submissions from 2 submitters: Uncertain significance (2). Last evaluated 2026-01-19.

Conditions:
Tuberous sclerosis 2 (TSC2). Identifiers: Orphanet 805, MedGen C1860707, MONDO:0013199, OMIM 613254.
Hereditary cancer-predisposing syndrome. Also called: Neoplastic Syndromes, Hereditary; Tumor predisposition; Hereditary Cancer Syndrome; Hereditary neoplastic syndrome. Identifiers: Orphanet 140162, MedGen C0027672, MeSH D009386, MONDO:0015356.

Submissions (2):

Labcorp Genetics (formerly Invitae), Labcorp
Classification: Uncertain significance for Tuberous sclerosis 2. Last evaluated: 2026-01-19. Review status: criteria provided, single submitter. Criteria: Invitae Variant Classification Sherloc (09022015). Collection method: clinical testing. Allele origin: germline.
Comment: This sequence change replaces aspartic acid, which is acidic and polar, with glutamic acid, which is acidic and polar, at codon 1598 of the TSC2 protein (p.Asp1598Glu). This variant is not present in population databases (gnomAD no frequency). This variant has not been reported in the literature in individuals affected with TSC2-related conditions. ClinVar contains an entry for this variant (Variation ID: 1743121). Invitae Evidence Modeling of protein sequence and biophysical properties (such as structural, functional, and spatial information, amino acid conservation, physicochemical variation, residue mobility, and thermodynamic stability) indicates that this missense variant is not expected to disrupt TSC2 protein function with a negative predictive value of 95%. In summary, the available evidence is currently insufficient to determine the role of this variant in disease. Therefore, it has been classified as a Variant of Uncertain Significance.

Ambry Genetics
Classification: Uncertain significance for Hereditary cancer-predisposing syndrome. Last evaluated: 2025-06-11. Review status: criteria provided, single submitter. Criteria: Ambry Variant Classification Scheme 2023. Collection method: clinical testing. Allele origin: germline.
Comment: The p.D1598E variant (also known as c.4794C>A), located in coding exon 36 of the TSC2 gene, results from a C to A substitution at nucleotide position 4794. The aspartic acid at codon 1598 is replaced by glutamic acid, an amino acid with highly similar properties. This amino acid position is highly conserved in available vertebrate species. In addition, this alteration is predicted to be deleterious by in silico analysis. Based on the available evidence, the clinical significance of this variant remains unclear.